The following is an entry in ClinVar:

ClinVar aggregate classification (germline): Uncertain significance (1 of 4 stars; one submission).

Submission:

Labcorp Genetics (formerly Invitae), Labcorp
Classification: Uncertain significance. Last evaluated: 2022-11-01. Review status: criteria provided, single submitter. Criteria: Invitae Variant Classification Sherloc (09022015). Collection method: clinical testing. Allele origin: germline.
Comment: In summary, the available evidence is currently insufficient to determine the role of this variant in disease. Therefore, it has been classified as a Variant of Uncertain Significance. Advanced modeling of protein sequence and biophysical properties (such as structural, functional, and spatial information, amino acid conservation, physicochemical variation, residue mobility, and thermodynamic stability) performed at Invitae indicates that this missense variant is expected to disrupt ATIC protein function. ClinVar contains an entry for this variant (Variation ID: 1496992). This variant has not been reported in the literature in individuals affected with ATIC-related conditions. This variant is not present in population databases (gnomAD no frequency). This sequence change replaces lysine, which is basic and polar, with glutamic acid, which is acidic and polar, at codon 357 of the ATIC protein (p.Lys357Glu).

NM_004044.7(ATIC):c.1069A>G (p.Lys357Glu)

Gene: ATIC (5-aminoimidazole-4-carboxamide ribonucleotide formyltransferase/IMP cyclohydrolase; plus strand). Cytogenetic location: 2q35.
Variant type: single nucleotide variant.
Coding change: c.1069A>G on transcript NM_004044.7 (MANE Select); coding-DNA position 1069, A replaced by G.
Protein change: p.Lys357Glu; replaces lysine 357 with glutamic acid.
Molecular consequence: missense variant.
Genome position (GRCh38, 1-based): chr2:215,336,095, A>G. VCF-style: chr2-215336095-A-G. GRCh37 (hg19) VCF-style: chr2-216200818-A-G.
Other names: short protein forms K357E.
Identifiers: ClinVar variation 1496992 (VCV001496992.6), dbSNP rs2106024842, ClinGen allele CA350483250.